The following is an entry in ClinVar:

ClinVar aggregate classification (germline): Uncertain significance (1 of 4 stars; one submission).

Conditions:
Combined immunodeficiency due to ORAI1 deficiency. Also called: IMMUNODEFICIENCY 9. Identifiers: Orphanet 169090, Orphanet 317428, MedGen C2748568, MONDO:0013007, OMIM 612782.
Myopathy, tubular aggregate, 2 (TAM2). Identifiers: MedGen C4014557, MONDO:0014383, OMIM 615883.

Allele frequency attached by ClinVar (database versions not stated): 1000 Genomes Project 0.00040; gnomAD 0.00017 and 0.00016; gnomAD exomes 0.00002 and 0.00001; ExAC 0.00004; TOPMed 0.00017; 1000 Genomes Project 30x 0.00031.

Submission:

Labcorp Genetics (formerly Invitae), Labcorp
Classification: Uncertain significance for Myopathy, tubular aggregate, 2; Combined immunodeficiency due to ORAI1 deficiency. Last evaluated: 2025-08-26. Review status: criteria provided, single submitter. Criteria: Invitae Variant Classification Sherloc (09022015). Collection method: clinical testing. Allele origin: germline.
Comment: This sequence change replaces proline, which is neutral and non-polar, with arginine, which is basic and polar, at codon 53 of the ORAI1 protein (p.Pro53Arg). This variant is present in population databases (rs572379138, gnomAD 0.04%). This variant has not been reported in the literature in individuals affected with ORAI1-related conditions. ClinVar contains an entry for this variant (Variation ID: 1383156). Experimental studies and prediction algorithms are not available or were not evaluated, and the functional significance of this variant is currently unknown. In summary, the available evidence is currently insufficient to determine the role of this variant in disease. Therefore, it has been classified as a Variant of Uncertain Significance.

NC_000012.12:g.121626905C>G

Genes: ORAI1 (ORAI calcium release-activated calcium modulator 1; plus strand), LOC130008987 (ATAC-STARR-seq lymphoblastoid silent region 4981; plus strand). Cytogenetic location: 12q24.31.
Variant type: single nucleotide variant.
Genome position: GRCh38 VCF-style: chr12-121626905-C-G. GRCh37 (hg19) VCF-style: chr12-122064811-C-G.
Other names: c.158C>G, p.Pro53Arg (NM_032790.4); short protein forms P53R.
Identifiers: ClinVar variation 1383156 (VCV001383156.6), dbSNP rs572379138, ClinGen allele CA244608443.